The following is an entry in ClinVar:

NM_000038.6(APC):c.4502C>T (p.Ser1501Phe)

Gene: APC (APC regulator of Wnt signaling pathway; plus strand). Cytogenetic location: 5q22.2.
Variant type: single nucleotide variant.
Coding change: c.4502C>T on transcript NM_000038.6 (MANE Select); coding-DNA position 4502, C replaced by T.
Protein change: p.Ser1501Phe; replaces serine 1501 with phenylalanine.
Molecular consequence: missense variant.
Genome position (GRCh38, 1-based): chr5:112,840,096, C>T. VCF-style: chr5-112840096-C-T. GRCh37 (hg19) VCF-style: chr5-112175793-C-T.
Other names: c.4502C>T, p.Ser1501Phe (NM_001127510.3, NM_001354895.2, NM_001407450.1); c.4448C>T, p.Ser1483Phe (NM_001127511.3); c.4556C>T, p.Ser1519Phe (NM_001354896.2, NM_001407447.1, NM_001407448.1 and 1 more transcripts); c.4532C>T, p.Ser1511Phe (NM_001354897.2); c.4427C>T, p.Ser1476Phe (NM_001354898.2); c.4418C>T, p.Ser1473Phe (NM_001354899.2); c.4379C>T, p.Ser1460Phe (NM_001354900.2); c.4325C>T, p.Ser1442Phe (NM_001354901.2, NM_001407453.1); and 11 more; short protein forms S1491F, S1494F, S1410F, S1473F, S1400F, S1483F, S1117F, S1218F.
Identifiers: ClinVar variation 1741058 (VCV001741058.2), dbSNP rs2149916227, ClinGen allele CA16031185.

ClinVar aggregate classification (germline): Uncertain significance (1 of 4 stars; one submission).

Conditions:
Hereditary cancer-predisposing syndrome. Also called: Hereditary Cancer Syndrome; Hereditary neoplastic syndrome; Neoplastic Syndromes, Hereditary; Tumor predisposition. Identifiers: Orphanet 140162, MedGen C0027672, MeSH D009386, MONDO:0015356.

Submission:

Ambry Genetics
Classification: Uncertain significance for Hereditary cancer-predisposing syndrome. Last evaluated: 2021-05-24. Review status: criteria provided, single submitter. Criteria: Ambry Variant Classification Scheme 2023. Collection method: clinical testing. Allele origin: germline.
Comment: The p.S1501F variant (also known as c.4502C>T), located in coding exon 15 of the APC gene, results from a C to T substitution at nucleotide position 4502. The serine at codon 1501 is replaced by phenylalanine, an amino acid with highly dissimilar properties. This amino acid position is highly conserved in available vertebrate species. In addition, in silico predictors for this gene do not accurately predict pathogenicity. Since supporting evidence is limited at this time, the clinical significance of this alteration remains unclear.